The following is an entry in ClinVar:

NM_000089.4(COL1A2):c.1750C>A (p.Pro584Thr)

Gene: COL1A2 (collagen type I alpha 2 chain; plus strand). Cytogenetic location: 7q21.3.
Variant type: single nucleotide variant.
Coding change: c.1750C>A on transcript NM_000089.4 (MANE Select); coding-DNA position 1750, C replaced by A.
Protein change: p.Pro584Thr; replaces proline 584 with threonine.
Molecular consequence: missense variant.
Genome position (GRCh38, 1-based): chr7:94,415,256, C>A. VCF-style: chr7-94415256-C-A. GRCh37 (hg19) VCF-style: chr7-94044568-C-A.
Other names: short protein forms P584T.
Identifiers: ClinVar variation 2037918 (VCV002037918.4), dbSNP rs146984874, ClinGen allele CA4347193.

ClinVar aggregate classification (germline): Uncertain significance (1 of 4 stars; one submission).

Conditions:
Ehlers-Danlos syndrome, classic type, 1 (EDSCL1). Also called: EHLERS-DANLOS SYNDROME, GRAVIS TYPE; EHLERS-DANLOS SYNDROME, SEVERE CLASSIC TYPE; Ehlers-Danlos syndrome, type 1; EDS I; Ehlers-Danlos Syndrome, Classic Type, COL5A1-Related. Identifiers: MedGen C0268335, MONDO:0019567, OMIM 130000.
Osteogenesis imperfecta type I (OI1). Also called: OI, TYPE I; OSTEOGENESIS IMPERFECTA TARDA; OSTEOGENESIS IMPERFECTA WITH BLUE SCLERAE; Osteogenesis imperfecta type 1; Lobstein's Disease; Lobstein disease. Identifiers: Orphanet 216796, Orphanet 666, MedGen C0023931, MONDO:0008146, OMIM 166200. Disease mechanism: loss of function.

Allele frequency attached by ClinVar (database versions not stated): ExAC 0.00002; ESP Exome Variant Server 0.00015; gnomAD exomes 0.00001; gnomAD 0.00004; TOPMed 0.00007.
gnomAD v4.1: 17 of 1,613,706 alleles (0.0011%); highest among the groups gnomAD compares: African/African-American, 0.019%; no homozygotes.

Submission:

Labcorp Genetics (formerly Invitae), Labcorp
Classification: Uncertain significance for Osteogenesis imperfecta type I; Ehlers-Danlos syndrome, classic type, 1. Last evaluated: 2025-11-06. Review status: criteria provided, single submitter. Criteria: Invitae Variant Classification Sherloc (09022015). Collection method: clinical testing. Allele origin: germline.
Comment: This sequence change replaces proline, which is neutral and non-polar, with threonine, which is neutral and polar, at codon 584 of the COL1A2 protein (p.Pro584Thr). This variant is present in population databases (rs146984874, gnomAD 0.01%). This variant has not been reported in the literature in individuals affected with COL1A2-related conditions. ClinVar contains an entry for this variant (Variation ID: 2037918). Invitae Evidence Modeling of protein sequence and biophysical properties (such as structural, functional, and spatial information, amino acid conservation, physicochemical variation, residue mobility, and thermodynamic stability) indicates that this missense variant is not expected to disrupt COL1A2 protein function with a negative predictive value of 95%. In summary, the available evidence is currently insufficient to determine the role of this variant in disease. Therefore, it has been classified as a Variant of Uncertain Significance.